The following is an entry in ClinVar:

ClinVar aggregate classification (germline): Pathogenic (1 of 4 stars; one submission).

Allele frequency attached by ClinVar (database versions not stated): gnomAD exomes below 0.00001; gnomAD 0.00001; ExAC 0.00002.
gnomAD v4.1: 7 of 1,601,862 alleles (0.00044%); highest among the groups gnomAD compares: African/African-American, 0.0013%; no homozygotes.

Submission:

Labcorp Genetics (formerly Invitae), Labcorp
Classification: Pathogenic. Last evaluated: 2022-03-21. Review status: criteria provided, single submitter. Criteria: Invitae Variant Classification Sherloc (09022015). Collection method: clinical testing. Allele origin: germline.
Comment: The frequency data for this variant in the population databases is considered unreliable, as metrics indicate poor data quality at this position in the gnomAD database. This sequence change creates a premature translational stop signal (p.Arg580*) in the TBCD gene. It is expected to result in an absent or disrupted protein product. Loss-of-function variants in TBCD are known to be pathogenic (PMID: 27666370, 27666374). For these reasons, this variant has been classified as Pathogenic. This variant has not been reported in the literature in individuals affected with TBCD-related conditions.

Literature cited by the submitters: PubMed 27666370; PubMed 27666374.

NM_005993.5(TBCD):c.1738C>T (p.Arg580Ter)

Gene: TBCD (tubulin folding cofactor D). Cytogenetic location: 17q25.3.
Variant type: single nucleotide variant.
Coding change: c.1738C>T on transcript NM_005993.5 (MANE Select); coding-DNA position 1738, C replaced by T.
Protein change: p.Arg580Ter; replaces arginine 580 with a stop codon.
Molecular consequence: nonsense.
Genome position (GRCh38, 1-based): chr17:82,903,412, C>T. VCF-style: chr17-82903412-C-T. GRCh37 (hg19) VCF-style: chr17-80861288-C-T.
Other names: c.1687C>T, p.Arg563Ter (NM_001411101.1); c.1657C>T, p.Arg553Ter (NM_001411102.1); short protein forms R553*, R580*, R563*.
Identifiers: ClinVar variation 1975424 (VCV001975424.5), dbSNP rs770137069, ClinGen allele CA8862744.